The following is an entry in ClinVar:

ClinVar aggregate classification (germline): Uncertain significance (0 of 4 stars; one submission).

Submission:

Richard Lifton Laboratory, Yale University School of Medicine
Classification: Uncertain significance. Review status: no assertion criteria provided. Collection method: not provided. Allele origin: somatic.
Comment: GBP5
ClinVar note: Converted during submission from unknown to Uncertain significance.

NM_052942.5(GBP5):c.1745C>T (p.Pro582Leu)

Gene: GBP5 (guanylate binding protein 5; minus strand). Cytogenetic location: 1p22.2.
Variant type: single nucleotide variant.
Coding change: c.1745C>T on transcript NM_052942.5 (MANE Select); coding-DNA position 1745, C replaced by T.
Protein change: p.Pro582Leu; replaces proline 582 with leucine.
Molecular consequence: missense variant.
Genome position (GRCh38, 1-based): chr1:89,260,720, G>A on the plus strand (C>T on the coding strand, the complement: GBP5 is on the minus strand). VCF-style: chr1-89260720-G-A. GRCh37 (hg19) VCF-style: chr1-89726403-G-A.
Other names: c.1745C>T, p.Pro582Leu (NM_001134486.4); c.1460C>T, p.Pro487Leu (NM_001391920.1); short protein forms P582L, P487L.
Identifiers: ClinVar variation 92020 (VCV000092020.2), dbSNP rs386352305, ClinGen allele CA232364.